The following is an entry in ClinVar:

NM_033637.4(BTRC):c.1775C>T (p.Pro592Leu)

Gene: BTRC (beta-transducin repeat containing E3 ubiquitin protein ligase; plus strand). Cytogenetic location: 10q24.32.
Variant type: single nucleotide variant.
Coding change: c.1775C>T on transcript NM_033637.4 (MANE Select); coding-DNA position 1775, C replaced by T.
Protein change: p.Pro592Leu; replaces proline 592 with leucine.
Molecular consequence: missense variant.
Genome position (GRCh38, 1-based): chr10:101,550,817, C>T. VCF-style: chr10-101550817-C-T. GRCh37 (hg19) VCF-style: chr10-103310574-C-T.
Other names: c.1697C>T, p.Pro566Leu (NM_001256856.2); c.1667C>T, p.Pro556Leu (NM_003939.5); short protein forms P556L, P566L, P592L.
Identifiers: ClinVar variation 2723710 (VCV002723710.3), dbSNP rs2270439, ClinGen allele CA5656293.

ClinVar aggregate classification (germline): Uncertain significance (1 of 4 stars; one submission).

gnomAD v4.1: 101 of 1,613,892 alleles (0.0063%); highest among the groups gnomAD compares: Admixed American, 0.028%; no homozygotes.

Submission:

Labcorp Genetics (formerly Invitae), Labcorp
Classification: Uncertain significance. Last evaluated: 2025-03-18. Review status: criteria provided, single submitter. Criteria: Invitae Variant Classification Sherloc (09022015). Collection method: clinical testing. Allele origin: germline.
Comment: This sequence change replaces proline, which is neutral and non-polar, with leucine, which is neutral and non-polar, at codon 592 of the BTRC protein (p.Pro592Leu). This variant is present in population databases (rs2270439, gnomAD 0.05%). This variant has not been reported in the literature in individuals affected with BTRC-related conditions. ClinVar contains an entry for this variant (Variation ID: 2723710). An algorithm developed to predict the effect of missense changes on protein structure and function (PolyPhen-2) suggests that this variant is likely to be tolerated. In summary, the available evidence is currently insufficient to determine the role of this variant in disease. Therefore, it has been classified as a Variant of Uncertain Significance.